The following is an entry in ClinVar:

ClinVar aggregate classification (germline): Uncertain significance (1 of 4 stars; one submission).

Allele frequency attached by ClinVar (database versions not stated): gnomAD exomes 0.00001 and 0.00002.
gnomAD v4.1: 5 of 1,614,142 alleles (0.00031%); highest among the groups gnomAD compares: Admixed American, 0.0083%; no homozygotes.

Submission:

Labcorp Genetics (formerly Invitae), Labcorp
Classification: Uncertain significance. Last evaluated: 2023-06-26. Review status: criteria provided, single submitter. Criteria: Invitae Variant Classification Sherloc (09022015). Collection method: clinical testing. Allele origin: germline.
Comment: This sequence change replaces tyrosine, which is neutral and polar, with phenylalanine, which is neutral and non-polar, at codon 244 of the KCNJ13 protein (p.Tyr244Phe). This variant is present in population databases (no rsID available, gnomAD 0.01%). This variant has not been reported in the literature in individuals affected with KCNJ13-related conditions. ClinVar contains an entry for this variant (Variation ID: 1470553). Advanced modeling of protein sequence and biophysical properties (such as structural, functional, and spatial information, amino acid conservation, physicochemical variation, residue mobility, and thermodynamic stability) performed at Invitae indicates that this missense variant is not expected to disrupt KCNJ13 protein function. In summary, the available evidence is currently insufficient to determine the role of this variant in disease. Therefore, it has been classified as a Variant of Uncertain Significance.

NM_002242.4(KCNJ13):c.731A>T (p.Tyr244Phe)

Genes: GIGYF2 (GRB10 interacting GYF protein 2; plus strand), KCNJ13 (potassium inwardly rectifying channel subfamily J member 13; minus strand). Cytogenetic location: 2q37.1.
Variant type: single nucleotide variant.
Coding change: c.731A>T on transcript NM_002242.4 (MANE Select); coding-DNA position 731, A replaced by T.
Protein change: p.Tyr244Phe; replaces tyrosine 244 with phenylalanine.
Molecular consequence: missense variant. On other transcripts: 3 prime UTR variant (1), intron variant (4).
Genome position (GRCh38, 1-based): chr2:232,768,543, T>A on the plus strand (A>T on the coding strand, the complement: KCNJ13 is on the minus strand). VCF-style: chr2-232768543-T-A. GRCh37 (hg19) VCF-style: chr2-233633253-T-A.
Other names: c.*210A>T (NM_001172416.1); c.491A>T, p.Tyr164Phe (NM_001172417.1); c.532+7107T>A (NM_001103146.3, NM_015575.4, NM_001103147.2 and 1 more transcripts); short protein forms Y244F, Y164F.
Identifiers: ClinVar variation 1470553 (VCV001470553.6), dbSNP rs1187574332, ClinGen allele CA351009518.